The following is an entry in ClinVar:

NM_000817.2(GAD1):c.-244G>A

Genes: GAD1 (glutamate decarboxylase 1; plus strand), GAD1-AS1 (GAD1 antisense RNA 1; minus strand). Cytogenetic location: 2q31.1.
Variant type: single nucleotide variant.
Coding change: c.-244G>A on transcript NM_000817.2; 244 bases upstream of the start codon, G replaced by A.
Molecular consequence: non-coding transcript variant (on NR_197761.1).
Genome position (GRCh38, 1-based): chr2:170,816,868, G>A. VCF-style: chr2-170816868-G-A. GRCh37 (hg19) VCF-style: chr2-171673378-G-A.
Identifiers: ClinVar variation 332215 (VCV000332215.8), dbSNP rs576236119, ClinGen allele CA10611805.

ClinVar aggregate classification (germline): Benign (1 of 4 stars; one submission).

Conditions:
Neurodevelopmental disorder with progressive spasticity and brain white matter abnormalities. Also called: CEREBRAL PALSY, SPASTIC QUADRIPLEGIC, 1. Identifiers: Orphanet 210141, Orphanet 641353, MedGen C5436628, MONDO:0033613, OMIM 619026.

Allele frequency attached by ClinVar (database versions not stated): gnomAD 0.00378 and 0.00352; 1000 Genomes Project 30x 0.00515; gnomAD exomes 0.00032; TOPMed 0.00388; 1000 Genomes Project 0.00519.
gnomAD v4.1: 530 of 158,256 alleles (0.33%); highest among the groups gnomAD compares: African/African-American, 1.2%; 5 homozygotes.

Submission:

Illumina Laboratory Services, Illumina
Classification: Benign. Last evaluated: 2018-01-13. Review status: criteria provided, single submitter. Criteria: ICSL Variant Classification Criteria 13 December 2019. Collection method: clinical testing. Allele origin: germline.
Comment: This variant was observed in the ICSL laboratory as part of a predisposition screen in an ostensibly healthy population. It had not been previously curated by ICSL or reported in the Human Gene Mutation Database (HGMD: prior to June 1st, 2018), and was therefore a candidate for classification through an automated scoring system. Utilizing variant allele frequency, disease prevalence and penetrance estimates, and inheritance mode, an automated score was calculated to assess if this variant is too frequent to cause the disease. Based on the score and internal cut-off values, a variant classified as benign is not then subjected to further curation. The score for this variant resulted in a classification of benign for this disease.